The following is an entry in ClinVar:

NM_024422.6(DSC2):c.509A>G (p.Tyr170Cys)

Gene: DSC2 (desmocollin 2; minus strand). Cytogenetic location: 18q12.1.
Variant type: single nucleotide variant.
Coding change: c.509A>G on transcript NM_024422.6 (MANE Select); coding-DNA position 509, A replaced by G.
Protein change: p.Tyr170Cys; replaces tyrosine 170 with cysteine.
Molecular consequence: missense variant.
Genome position (GRCh38, 1-based): chr18:31,089,560, T>C on the plus strand (A>G on the coding strand, the complement: DSC2 is on the minus strand). VCF-style: chr18-31089560-T-C. GRCh37 (hg19) VCF-style: chr18-28669523-T-C.
Other names: c.509A>G, p.Tyr170Cys (NM_004949.5); short protein forms Y170C.
Identifiers: ClinVar variation 927709 (VCV000927709.12), dbSNP rs759910399, ClinGen allele CA038736.

ClinVar aggregate classification (germline): Uncertain significance. Review status: criteria provided, multiple submitters, no conflicts (2 of 4 stars). 5 submissions from 5 submitters: Uncertain significance (5). Last evaluated 2025-06-30.

Conditions:
Cardiomyopathy (CMYO). Also called: Cardiomyopathies. Identifiers: Orphanet 167848, MedGen C0878544, MONDO:0004994, HP:0001638. Inheritance: Various modes of inheritance.
Cardiovascular phenotype. Identifiers: MedGen CN230736.
Familial isolated arrhythmogenic right ventricular dysplasia. Identifiers: Orphanet 217656, MedGen C4274968, MONDO:0016342.
Arrhythmogenic right ventricular dysplasia 11. Also called: Arrhythmogenic Right Ventricular Dysplasia/Cardiomyopathy11; ARRHYTHMOGENIC RIGHT VENTRICULAR DYSPLASIA, FAMILIAL, 11; Arrhythmogenic right ventricular dysplasia 11 with mild palmoplantar keratoderma and woolly hair. Identifiers: MedGen C1864850, MONDO:0012506, OMIM 610476.

Allele frequency attached by ClinVar (database versions not stated): gnomAD 0.00001; gnomAD exomes 0.00001; ExAC 0.00001.
gnomAD v4.1: 5 of 1,613,874 alleles (0.00031%); highest among the groups gnomAD compares: Non-Finnish European, 0.00042%; no homozygotes.

Submissions (5):

Ambry Genetics
Classification: Uncertain significance for Cardiovascular phenotype. Last evaluated: 2025-06-30. Review status: criteria provided, single submitter. Criteria: Ambry Variant Classification Scheme 2023. Collection method: clinical testing. Allele origin: germline.
Comment: The p.Y170C variant (also known as c.509A>G), located in coding exon 5 of the DSC2 gene, results from an A to G substitution at nucleotide position 509. The tyrosine at codon 170 is replaced by cysteine, an amino acid with highly dissimilar properties. This amino acid position is conserved. In addition, this alteration is predicted to be tolerated by in silico analysis. Based on the available evidence, the clinical significance of this variant remains unclear.

GeneDx
Classification: Uncertain significance. Last evaluated: 2025-03-27. Review status: criteria provided, single submitter. Criteria: GeneDx Variant Classification Process June 2021. Collection method: clinical testing. Allele origin: germline. Affected: yes.
Comment: Not observed at significant frequency in large population cohorts (gnomAD); In silico analysis supports that this missense variant has a deleterious effect on protein structure/function; Has not been previously published as pathogenic or benign to our knowledge

Labcorp Genetics (formerly Invitae), Labcorp
Classification: Uncertain significance for Arrhythmogenic right ventricular dysplasia 11. Last evaluated: 2025-01-05. Review status: criteria provided, single submitter. Criteria: Invitae Variant Classification Sherloc (09022015). Collection method: clinical testing. Allele origin: germline.
Comment: This sequence change replaces tyrosine, which is neutral and polar, with cysteine, which is neutral and slightly polar, at codon 170 of the DSC2 protein (p.Tyr170Cys). This variant is present in population databases (rs759910399, gnomAD 0.002%). This variant has not been reported in the literature in individuals affected with DSC2-related conditions. ClinVar contains an entry for this variant (Variation ID: 927709). Invitae Evidence Modeling of protein sequence and biophysical properties (such as structural, functional, and spatial information, amino acid conservation, physicochemical variation, residue mobility, and thermodynamic stability) indicates that this missense variant is not expected to disrupt DSC2 protein function with a negative predictive value of 80%. In summary, the available evidence is currently insufficient to determine the role of this variant in disease. Therefore, it has been classified as a Variant of Uncertain Significance.

Color Diagnostics, LLC DBA Color Health
Classification: Uncertain significance for Cardiomyopathy. Last evaluated: 2024-03-06. Review status: criteria provided, single submitter. Criteria: ACMG Guidelines, 2015. Collection method: clinical testing. Allele origin: germline.
Comment: This missense variant replaces tyrosine with cysteine at codon 170 of the DSC2 protein. Computational prediction suggests that this variant may not impact protein structure and function (internally defined REVEL score threshold <= 0.5, PMID: 27666373). To our knowledge, functional studies have not been reported for this variant. This variant has not been reported in individuals affected with cardiovascular disorders in the literature. This variant has been identified in 2/251276 chromosomes in the general population by the Genome Aggregation Database (gnomAD). The available evidence is insufficient to determine the role of this variant in disease conclusively. Therefore, this variant is classified as a Variant of Uncertain Significance.

All of Us Research Program, National Institutes of Health
Classification: Uncertain significance for Familial isolated arrhythmogenic right ventricular dysplasia. Last evaluated: 2023-10-02. Review status: criteria provided, single submitter. Criteria: ACMG Guidelines, 2015. Collection method: clinical testing. Allele origin: germline. Inheritance: Autosomal dominant inheritance. Observed: 1 variant allele, 1 heterozygote.
Comment: This missense variant replaces tyrosine with cysteine at codon 170 of the DSC2 protein. Computational prediction suggests that this variant may not impact protein structure and function (internally defined REVEL score threshold <= 0.5, PMID: 27666373). To our knowledge, functional studies have not been reported for this variant. This variant has not been reported in individuals affected with cardiovascular disorders in the literature. This variant has been identified in 2/251276 chromosomes in the general population by the Genome Aggregation Database (gnomAD). The available evidence is insufficient to determine the role of this variant in disease conclusively. Therefore, this variant is classified as a Variant of Uncertain Significance.

This study involves interpretation of variants in research participants for the purpose of population health screening. Participant phenotype was not available at the time of variant classification. Additional details can be found in publication PMID: 35346344, PMCID: PMC8962531